The following is an entry in ClinVar:

NM_001368882.1(COL13A1):c.2145+5G>A

Gene: COL13A1 (collagen type XIII alpha 1 chain; plus strand). Cytogenetic location: 10q22.1.
Variant type: single nucleotide variant.
Coding change: c.2145+5G>A on transcript NM_001368882.1 (MANE Select); 5 bases into the intron after coding-DNA position 2145, G replaced by A.
Molecular consequence: intron variant.
Genome position (GRCh38, 1-based): chr10:69,952,973, G>A. VCF-style: chr10-69952973-G-A. GRCh37 (hg19) VCF-style: chr10-71712729-G-A.
Other names: c.2001+5G>A (NM_001320951.2); c.1959+5G>A (NM_001368884.1); c.2112+5G>A (NM_001130103.2); c.2046+5G>A (NM_080801.4); c.1965+5G>A (NM_080802.4); c.2019+5G>A (NM_080800.4); c.1315-975G>A (NM_001368886.1); c.1936-975G>A (NM_001368883.1); and 7 more.
Identifiers: ClinVar variation 2022564 (VCV002022564.4), dbSNP rs2545976097, ClinGen allele CA2580081770.

ClinVar aggregate classification (germline): Uncertain significance (1 of 4 stars; one submission).

Submission:

Labcorp Genetics (formerly Invitae), Labcorp
Classification: Uncertain significance. Last evaluated: 2022-08-07. Review status: criteria provided, single submitter. Criteria: Invitae Variant Classification Sherloc (09022015). Collection method: clinical testing. Allele origin: germline.
Comment: In summary, the available evidence is currently insufficient to determine the role of this variant in disease. Therefore, it has been classified as a Variant of Uncertain Significance. Variants that disrupt the consensus splice site are a relatively common cause of aberrant splicing (PMID: 17576681, 9536098). Algorithms developed to predict the effect of sequence changes on RNA splicing suggest that this variant is not likely to affect RNA splicing. This variant has not been reported in the literature in individuals affected with COL13A1-related conditions. This variant is not present in population databases (gnomAD no frequency). This sequence change falls in intron 38 of the COL13A1 gene. It does not directly change the encoded amino acid sequence of the COL13A1 protein. It affects a nucleotide within the consensus splice site.

Literature cited by the submitters: PubMed 17576681; PubMed 9536098.